The following is an entry in ClinVar:

NM_002292.4(LAMB2):c.3856G>A (p.Val1286Met)

Gene: LAMB2 (laminin subunit beta 2; minus strand). Cytogenetic location: 3p21.31.
Variant type: single nucleotide variant.
Coding change: c.3856G>A on transcript NM_002292.4 (MANE Select); coding-DNA position 3856, G replaced by A.
Protein change: p.Val1286Met; replaces valine 1286 with methionine.
Molecular consequence: missense variant.
Genome position (GRCh38, 1-based): chr3:49,123,573, C>T on the plus strand (G>A on the coding strand, the complement: LAMB2 is on the minus strand). VCF-style: chr3-49123573-C-T. GRCh37 (hg19) VCF-style: chr3-49161006-C-T.
Other names: short protein forms V1286M.
Identifiers: ClinVar variation 2045361 (VCV002045361.3), dbSNP rs768658939, ClinGen allele CA2393924.

ClinVar aggregate classification (germline): Uncertain significance (1 of 4 stars; one submission).

Conditions:
LAMB2-related infantile-onset nephrotic syndrome. Also called: Nephrotic Syndrome, type 5; NEPHROTIC SYNDROME, TYPE 5, WITHOUT OCULAR ABNORMALITIES; NEPHROTIC SYNDROME, TYPE 5, WITH OCULAR ABNORMALITIES. Identifiers: Orphanet 306507, MedGen C3280113, MONDO:0013621, OMIM 614199.
Pierson syndrome. Also called: MICROCORIA-CONGENITAL NEPHROTIC SYNDROME. Identifiers: Orphanet 2670, MedGen C1836876, MONDO:0012184, OMIM 609049.

Allele frequency attached by ClinVar (database versions not stated): TOPMed below 0.00001.
gnomAD v4.1: 7 of 1,614,216 alleles (0.00043%); highest among the groups gnomAD compares: Admixed American, 0.01%; no homozygotes.

Submission:

Labcorp Genetics (formerly Invitae), Labcorp
Classification: Uncertain significance for LAMB2-related infantile-onset nephrotic syndrome; Pierson syndrome. Last evaluated: 2024-05-16. Review status: criteria provided, single submitter. Criteria: Invitae Variant Classification Sherloc (09022015). Collection method: clinical testing. Allele origin: germline.
Comment: This sequence change replaces valine, which is neutral and non-polar, with methionine, which is neutral and non-polar, at codon 1286 of the LAMB2 protein (p.Val1286Met). This variant is present in population databases (rs768658939, gnomAD 0.01%). This variant has not been reported in the literature in individuals affected with LAMB2-related conditions. ClinVar contains an entry for this variant (Variation ID: 2045361). An algorithm developed to predict the effect of missense changes on protein structure and function (PolyPhen-2) suggests that this variant is likely to be disruptive. In summary, the available evidence is currently insufficient to determine the role of this variant in disease. Therefore, it has been classified as a Variant of Uncertain Significance.